The following is an entry in ClinVar:

NM_001164508.2(NEB):c.16530C>T (p.Asn5510=)

Gene: NEB (nebulin; minus strand). Cytogenetic location: 2q23.3.
Variant type: single nucleotide variant.
Coding change: c.16530C>T on transcript NM_001164508.2 (MANE Select); coding-DNA position 16530, C replaced by T.
Protein change: p.Asn5510=; no amino-acid change (asparagine 5510 retained).
Molecular consequence: synonymous variant. On other transcripts: intron variant (1).
Genome position (GRCh38, 1-based): chr2:151,579,512, G>A on the plus strand (C>T on the coding strand, the complement: NEB is on the minus strand). VCF-style: chr2-151579512-G-A. GRCh37 (hg19) VCF-style: chr2-152436026-G-A.
Other names: c.16530C>T, p.Asn5510= (NM_001164507.2, NM_001271208.2); c.11602-3158C>T (NM_004543.5).
Identifiers: ClinVar variation 2651428 (VCV002651428.25), dbSNP rs1344070252, ClinGen allele CA429225312.

ClinVar aggregate classification (germline): Likely benign. Review status: criteria provided, multiple submitters, no conflicts (2 of 4 stars). 2 submissions from 2 submitters: Likely benign (2). Last evaluated 2023-12-29.

Allele frequency attached by ClinVar (database versions not stated): 1000 Genomes Project 30x 0.00125.

Submissions (2):

Blueprint Genetics
Classification: Likely benign. Last evaluated: 2023-12-29. Review status: criteria provided, single submitter. Criteria: ACMG Guidelines, 2015. Collection method: clinical testing. Allele origin: germline.

CeGaT Center for Human Genetics Tuebingen
Classification: Likely benign. Last evaluated: 2023-01-01. Review status: criteria provided, single submitter. Criteria: CeGaT Center For Human Genetics Tuebingen Variant Classification Criteria Version 2. Collection method: clinical testing. Allele origin: germline. Affected: yes. Observed: 1 variant allele.
Comment: NEB: BP4, BP7